The following is an entry in ClinVar:

NM_002303.6(LEPR):c.2034A>T (p.Arg678Ser)

Genes: LEPR (leptin receptor; plus strand), LOC122094844 (Sharpr-MPRA regulatory region 5730; plus strand). Cytogenetic location: 1p31.3.
Variant type: single nucleotide variant.
Coding change: c.2034A>T on transcript NM_002303.6 (MANE Select); coding-DNA position 2034, A replaced by T.
Protein change: p.Arg678Ser; replaces arginine 678 with serine.
Molecular consequence: missense variant.
Genome position (GRCh38, 1-based): chr1:65,616,046, A>T. VCF-style: chr1-65616046-A-T. GRCh37 (hg19) VCF-style: chr1-66081729-A-T.
Other names: c.2034A>T, p.Arg678Ser (NM_001003679.3, NM_001003680.3, NM_001198687.2 and 2 more transcripts); short protein forms R678S.
Identifiers: ClinVar variation 1338147 (VCV001338147.8), dbSNP rs377399607, ClinGen allele CA894942.
Genomic context (GRCh38, chr1:65,616,046, plus strand): 5'-TCAATTTCTATATTTACTACAGCCCCTGATGAAAAATGACTCATTGTGCAGTGTTCAGAG[A>T]TATGTGATAAACCATCATACTTCCTGCAATGGAACATGGTCAGAAGATGTGGGAAATCAC-3'
Protein context (NP_002294.2, residues 668-688): MKNDSLCSVQ[Arg678Ser]YVINHHTSCN

ClinVar aggregate classification (germline): Uncertain significance. Review status: criteria provided, multiple submitters, no conflicts (2 of 4 stars). 3 submissions from 3 submitters: Uncertain significance (2). 1 of the submissions does not count toward it. Last evaluated 2023-06-30.

Conditions:
LEPR-related disorder. Also called: LEPR-related disorders; LEPR-related condition.
Inborn genetic diseases. Identifiers: MedGen C0950123, MeSH D030342.

Allele frequency attached by ClinVar (database versions not stated): ESP Exome Variant Server 0.00015.
gnomAD v4.1: 21 of 1,614,048 alleles (0.0013%); highest among the groups gnomAD compares: African/African-American, 0.027%; no homozygotes.

Submissions (3):

Ambry Genetics
Classification: Uncertain significance for Inborn genetic diseases. Last evaluated: 2023-06-30. Review status: criteria provided, single submitter. Criteria: Ambry Variant Classification Scheme 2023. Collection method: clinical testing. Allele origin: germline.

Genetic Services Laboratory, University of Chicago
Classification: Uncertain significance. Last evaluated: 2021-11-29. Review status: criteria provided, single submitter. Criteria: ACMG Guidelines, 2015. Collection method: clinical testing. Allele origin: germline. Affected: no.
Comment: DNA sequence analysis of the LEPR gene demonstrated a sequence change, c.2034A>T, in exon 15 that results in an amino acid change, p.Arg678Ser. This sequence change has been described in the gnomAD database with a frequency of 0.032%in the African/African American subpopulation (dbSNP rs377399607). The p.Arg678Ser change affects a moderately conserved amino acid residue located in a domain of the LEPR protein that is known to be functional. The p.Arg678Ser substitution appears to be benign using several in-silico pathogenicity prediction tools (SIFT, PolyPhen2, Align GVGD, REVEL). This sequence change does not appear to have been previously described in individuals with LEPR-related disorders. Due to insufficient evidences and the lack of functional studies, the clinical significance of the p.Arg678Ser change remains unknown at this time.

PreventionGenetics, part of Exact Sciences
Classification: Uncertain significance for LEPR-related condition. Last evaluated: 2024-02-06. Review status: no assertion criteria provided. Collection method: clinical testing. Allele origin: germline. Not counted in ClinVar's aggregate classification.
Comment: The LEPR c.2034A>T variant is predicted to result in the amino acid substitution p.Arg678Ser. To our knowledge, this variant has not been reported in the literature. This variant is reported in 0.032% of alleles in individuals of African descent in gnomAD. At this time, the clinical significance of this variant is uncertain due to the absence of conclusive functional and genetic evidence.